The following is an entry in ClinVar:

ClinVar aggregate classification (germline): Uncertain significance. Review status: reviewed by expert panel (3 of 4 stars). 3 submissions from 3 submitters: Uncertain significance (1). 2 of the submissions do not count toward it. Last evaluated 2024-11-26.

Conditions:
ATM-related cancer predisposition. Also called: ATM-related cancer susceptibility. Identifiers: MedGen CN377759, MONDO:0700270.
Hereditary cancer-predisposing syndrome. Also called: Tumor predisposition; Neoplastic Syndromes, Hereditary; Hereditary Cancer Syndrome; Hereditary neoplastic syndrome. Identifiers: Orphanet 140162, MedGen C0027672, MeSH D009386, MONDO:0015356.
Ataxia-telangiectasia syndrome (AT). Also called: ATAXIA-TELANGIECTASIA, COMPLEMENTATION GROUP A; ATAXIA-TELANGIECTASIA, FRESNO VARIANT; Ataxia-telangiectasia; Ataxia-telangiectasia, complementation group D; AT, COMPLEMENTATION GROUP C; Ataxia-telangiectasia, complementation group E. Identifiers: Orphanet 100, MedGen C0004135, MONDO:0008840, OMIM 208900.

Submissions (3):

ClinGen Hereditary Breast, Ovarian and Pancreatic Cancer Variant Curation Expert Panel, ClinGen
Classification: Uncertain significance for ATM-related cancer predisposition. Last evaluated: 2024-11-26. Review status: reviewed by expert panel. Criteria: ClinGen HBOP ACMG Specifications ATM V1.3.0. Collection method: curation. Allele origin: germline. Inheritance: Autosomal dominant inheritance.
Comment: The c.7661A>G variant in ATM is a missense variant predicted to cause substitution of histidine by arginine at amino acid 2554 (p.His2554Arg). This variant has been detected in at least 1 individual with Ataxia-Telangiectasia (PMID: 26896183). This variant is absent from gnomAD v.2.1.1. The computational predictor REVEL gives a score of 0.884, which is above the threshold of 0.733, evidence that correlates with impact to ATM function. In summary, this variant meets the criteria to be classified as a variant of uncertain significance for autosomal dominant ATM-related cancer predisposition and autosomal recessive Ataxia-Telangiectasia based on the ACMG/AMP criteria applied, as specified by the HBOP VCEP. (PM3, PM2_Supporting, PP3)

Ambry Genetics
Classification: Uncertain significance for Hereditary cancer-predisposing syndrome. Last evaluated: 2025-05-08. Review status: criteria provided, single submitter. Criteria: Ambry Variant Classification Scheme 2023. Collection method: clinical testing. Allele origin: germline. Not counted in ClinVar's aggregate classification.
Comment: The p.H2554R variant (also known as c.7661A>G), located in coding exon 51 of the ATM gene, results from an A to G substitution at nucleotide position 7661. The histidine at codon 2554 is replaced by arginine, an amino acid with highly similar properties. This amino acid position is highly conserved in available vertebrate species. In addition, this alteration is predicted to be deleterious by in silico analysis. Based on the available evidence, the clinical significance of this variant remains unclear.

Labcorp Genetics (formerly Invitae), Labcorp
Classification: Uncertain significance for Ataxia-telangiectasia syndrome. Last evaluated: 2024-12-08. Review status: criteria provided, single submitter. Criteria: Invitae Variant Classification Sherloc (09022015). Collection method: clinical testing. Allele origin: germline. Not counted in ClinVar's aggregate classification.
Comment: This sequence change replaces histidine, which is basic and polar, with arginine, which is basic and polar, at codon 2554 of the ATM protein (p.His2554Arg). This variant is not present in population databases (gnomAD no frequency). This missense change has been observed in individual(s) with autosomal recessive ataxia-telangiectasia (PMID: 26896183). ClinVar contains an entry for this variant (Variation ID: 846136). Invitae Evidence Modeling of protein sequence and biophysical properties (such as structural, functional, and spatial information, amino acid conservation, physicochemical variation, residue mobility, and thermodynamic stability) has been performed for this missense variant. However, the output from this modeling did not meet the statistical confidence thresholds required to predict the impact of this variant on ATM protein function. This variant disrupts the p.His2554 amino acid residue in ATM. Other variant(s) that disrupt this residue have been observed in individuals with ATM-related conditions (PMID: 9463314, 26896183), which suggests that this may be a clinically significant amino acid residue. In summary, the available evidence is currently insufficient to determine the role of this variant in disease. Therefore, it has been classified as a Variant of Uncertain Significance.

Literature cited by the submitters: PubMed 26896183 (cited by Labcorp Genetics (formerly Invitae), Labcorp); PubMed 9463314 (cited by Labcorp Genetics (formerly Invitae), Labcorp).

NM_000051.4(ATM):c.7661A>G (p.His2554Arg)

Genes: ATM (ATM serine/threonine kinase; plus strand), C11orf65 (chromosome 11 open reading frame 65; minus strand). Cytogenetic location: 11q22.3.
Variant type: single nucleotide variant.
Coding change: c.7661A>G on transcript NM_000051.4 (MANE Select); coding-DNA position 7661, A replaced by G.
Protein change: p.His2554Arg; replaces histidine 2554 with arginine.
Molecular consequence: missense variant. On other transcripts: intron variant (2).
Genome position (GRCh38, 1-based): chr11:108,331,910, A>G. VCF-style: chr11-108331910-A-G. GRCh37 (hg19) VCF-style: chr11-108202637-A-G.
Other names: NM_000051.4(ATM):c.7661A>G; p.His2554Arg; c.7661A>G, p.His2554Arg (NM_001351834.2); c.641-22839T>C (NM_001330368.2); c.*38+3310T>C (NM_001351110.2); short protein forms H2554R.
Identifiers: ClinVar variation 846136 (VCV000846136.10), dbSNP rs1555124487, ClinGen allele CA501111.